The following is an entry in ClinVar:

NM_001018111.3(PODXL):c.1394C>T (p.Thr465Ile)

Gene: PODXL (podocalyxin like; minus strand). Cytogenetic location: 7q32.3.
Variant type: single nucleotide variant.
Coding change: c.1394C>T on transcript NM_001018111.3 (MANE Select); coding-DNA position 1394, C replaced by T.
Protein change: p.Thr465Ile; replaces threonine 465 with isoleucine.
Molecular consequence: missense variant.
Genome position (GRCh38, 1-based): chr7:131,505,953, G>A on the plus strand (C>T on the coding strand, the complement: PODXL is on the minus strand). VCF-style: chr7-131505953-G-A. GRCh37 (hg19) VCF-style: chr7-131190712-G-A.
Other names: c.1298C>T, p.Thr433Ile (NM_005397.4); short protein forms T433I, T465I.
Identifiers: ClinVar variation 4722584 (VCV004722584.1).

ClinVar aggregate classification (germline): Uncertain significance (1 of 4 stars; one submission).

gnomAD v4.1: 2 of 1,608,302 alleles (0.00012%); highest among the groups gnomAD compares: Non-Finnish European, 0.00017%; no homozygotes.

Submission:

Labcorp Genetics (formerly Invitae), Labcorp
Classification: Uncertain significance. Last evaluated: 2025-07-31. Review status: criteria provided, single submitter. Criteria: Invitae Variant Classification Sherloc (09022015). Collection method: clinical testing. Allele origin: germline.
Comment: This sequence change replaces threonine, which is neutral and polar, with isoleucine, which is neutral and non-polar, at codon 433 of the PODXL protein (p.Thr433Ile). This variant is not present in population databases (gnomAD no frequency). This variant has not been reported in the literature in individuals affected with PODXL-related conditions. An algorithm developed to predict the effect of missense changes on protein structure and function (PolyPhen-2) suggests that this variant is likely to be disruptive. In summary, the available evidence is currently insufficient to determine the role of this variant in disease. Therefore, it has been classified as a Variant of Uncertain Significance.